The following is an entry in ClinVar:

NM_001009944.3(PKD1):c.9378_9383dup (p.Trp3128Ter)

Gene: PKD1 (polycystin 1, transient receptor potential channel interacting; minus strand). Cytogenetic location: 16p13.3.
Variant type: Duplication.
Coding change: c.9378_9383dup on transcript NM_001009944.3 (MANE Select); coding-DNA positions 9378 to 9383, 6 bases duplicated (AGGCTG; older notation c.9378_9383dupAGGCTG).
Protein change: p.Trp3128Ter; replaces tryptophan 3128 with a stop codon.
Molecular consequence: nonsense.
Genome position (GRCh38, 1-based): chr16:2,102,075-2,102,080, CAGCCT duplicated on the plus strand (AGGCTG on the coding strand, the reverse complement: PKD1 is on the minus strand). VCF-style (leftmost placement, unchanged base first): chr16-2102074-C-CCAGCCT. GRCh37 (hg19) VCF-style: chr16-2152075-C-CCAGCCT.
Other names: c.9378_9383dup, p.Trp3128Ter (NM_000296.4); c.9378_9383dup6 (NM_001009944.2); short protein forms W3128*.
Identifiers: ClinVar variation 2631374 (VCV002631374.1), dbSNP rs2544729906, ClinGen allele CA2695197385.

ClinVar aggregate classification (germline): Pathogenic (1 of 4 stars; one submission).

Conditions:
PKD1-related disorder. Also called: PKD1-related condition.

Submission:

PreventionGenetics, part of Exact Sciences
Classification: Pathogenic for PKD1-related condition. Last evaluated: 2023-08-01. Review status: criteria provided, single submitter. Criteria: ACMG Guidelines, 2015. Collection method: clinical testing. Allele origin: germline.
Comment: The PKD1 c.9378_9383dup6 variant is predicted to result in premature protein termination (p.Trp3128*). To our knowledge, this variant has not been reported in the literature or in a large population database, indicating this variant is rare. This variant falls within a highly paralogous region. Allele frequency data should be interpreted with caution. Nonsense variants in PKD1 are expected to be pathogenic. This variant is interpreted as pathogenic.